The following is an entry in ClinVar:

NM_138817.3(SLC7A13):c.142G>C (p.Val48Leu)

Gene: SLC7A13 (solute carrier family 7 member 13; minus strand). Cytogenetic location: 8q21.3.
Variant type: single nucleotide variant.
Coding change: c.142G>C on transcript NM_138817.3 (MANE Select); coding-DNA position 142, G replaced by C.
Protein change: p.Val48Leu; replaces valine 48 with leucine.
Molecular consequence: missense variant.
Genome position (GRCh38, 1-based): chr8:86,230,136, C>G on the plus strand (G>C on the coding strand, the complement: SLC7A13 is on the minus strand). VCF-style: chr8-86230136-C-G. GRCh37 (hg19) VCF-style: chr8-87242365-C-G.
Other names: c.142G>C (NM_138817.2); short protein forms V48L.
Identifiers: ClinVar variation 2176853 (VCV002176853.5), dbSNP rs754677943, ClinGen allele CA4797892.
Genomic context (GRCh38, chr8:86,230,136, plus strand): 5'-CAGAGCAAAGAGTTGATGTCATGGCCAGTATGGCACAGCCAGCCCAAACGCACAGGGAGA[C>G]TCCCACGTTCATGCAAGAGTATGCCAACACACCTTTGGGGGACACAAAAATTCCTGCACC-3'
Protein context (NP_620172.2, residues 38-58): VLAYSCMNVG[Val48Leu]SLCVWAGCAI

ClinVar aggregate classification (germline): Conflicting classifications of pathogenicity. Review status: criteria provided, conflicting classifications (1 of 4 stars). 2 submissions from 2 submitters: Uncertain significance (1); Likely benign (1). Last evaluated 2024-07-09.

Allele frequency attached by ClinVar (database versions not stated): gnomAD 0.00001; gnomAD exomes 0.00001; ExAC 0.00002.
gnomAD v4.1: 17 of 1,614,078 alleles (0.0011%); highest among the groups gnomAD compares: Admixed American, 0.022%; no homozygotes.

Submissions (2):

Ambry Genetics
Classification: Likely benign. Last evaluated: 2024-07-09. Review status: criteria provided, single submitter. Criteria: Ambry Variant Classification Scheme 2023. Collection method: clinical testing. Allele origin: germline.

Labcorp Genetics (formerly Invitae), Labcorp
Classification: Uncertain significance. Last evaluated: 2023-10-03. Review status: criteria provided, single submitter. Criteria: Invitae Variant Classification Sherloc (09022015). Collection method: clinical testing. Allele origin: germline.
Comment: This sequence change replaces valine, which is neutral and non-polar, with leucine, which is neutral and non-polar, at codon 48 of the SLC7A13 protein (p.Val48Leu). This variant is present in population databases (rs754677943, gnomAD 0.02%). This variant has not been reported in the literature in individuals affected with SLC7A13-related conditions. ClinVar contains an entry for this variant (Variation ID: 2176853). Algorithms developed to predict the effect of missense changes on protein structure and function output the following: SIFT: "Not Available"; PolyPhen-2: "Benign"; Align-GVGD: "Not Available". The leucine amino acid residue is found in multiple mammalian species, which suggests that this missense change does not adversely affect protein function. In summary, the available evidence is currently insufficient to determine the role of this variant in disease. Therefore, it has been classified as a Variant of Uncertain Significance.